The following is an entry in ClinVar:

ClinVar aggregate classification (germline): Uncertain significance. Review status: criteria provided, multiple submitters, no conflicts (2 of 4 stars). 2 submissions from 2 submitters: Uncertain significance (2). Last evaluated 2025-06-09.

Conditions:
Inborn genetic diseases. Identifiers: MedGen C0950123, MeSH D030342.
COG5-congenital disorder of glycosylation. Also called: CDG IIi; CONGENITAL DISORDER OF GLYCOSYLATION, TYPE IIi; COG5-CDG. Identifiers: Orphanet 263487, MedGen C3150876, MONDO:0013325, OMIM 613612.

gnomAD v4.1: 15 of 1,613,592 alleles (0.00093%); highest among the groups gnomAD compares: Non-Finnish European, 0.0013%; no homozygotes.

Submissions (2):

Labcorp Genetics (formerly Invitae), Labcorp
Classification: Uncertain significance for COG5-congenital disorder of glycosylation. Last evaluated: 2025-06-09. Review status: criteria provided, single submitter. Criteria: Invitae Variant Classification Sherloc (09022015). Collection method: clinical testing. Allele origin: germline.
Comment: This sequence change replaces glycine, which is neutral and non-polar, with serine, which is neutral and polar, at codon 37 of the COG5 protein (p.Gly37Ser). This variant is present in population databases (rs764834291, gnomAD 0.0009%). This variant has not been reported in the literature in individuals affected with COG5-related conditions. ClinVar contains an entry for this variant (Variation ID: 3834902). An algorithm developed to predict the effect of missense changes on protein structure and function outputs the following: PolyPhen-2: "Benign". The serine amino acid residue is found in multiple mammalian species, which suggests that this missense change does not adversely affect protein function. In summary, the available evidence is currently insufficient to determine the role of this variant in disease. Therefore, it has been classified as a Variant of Uncertain Significance.

Ambry Genetics
Classification: Uncertain significance for Inborn genetic diseases. Last evaluated: 2025-01-19. Review status: criteria provided, single submitter. Criteria: Ambry Variant Classification Scheme 2023. Collection method: clinical testing. Allele origin: germline.

NM_006348.5(COG5):c.16G>A (p.Gly6Ser)

Gene: COG5 (component of oligomeric golgi complex 5; minus strand). Cytogenetic location: 7q22.3.
Variant type: single nucleotide variant.
Coding change: c.16G>A on transcript NM_006348.5 (MANE Select); coding-DNA position 16, G replaced by A.
Protein change: p.Gly6Ser; replaces glycine 6 with serine.
Molecular consequence: missense variant.
Genome position (GRCh38, 1-based): chr7:107,563,881, C>T on the plus strand (G>A on the coding strand, the complement: COG5 is on the minus strand). VCF-style: chr7-107563881-C-T. GRCh37 (hg19) VCF-style: chr7-107204326-C-T.
Other names: c.16G>A, p.Gly6Ser (NM_001161520.2, NM_001379511.1, NM_001379512.1 and 5 more transcripts); short protein forms G6S.
Identifiers: ClinVar variation 3834902 (VCV003834902.2).